The following is an entry in ClinVar:

ClinVar aggregate classification (germline): Benign (0 of 4 stars; one submission).

Conditions:
NCOR2-related disorder. Also called: NCOR2-related condition.

Allele frequency attached by ClinVar (database versions not stated): gnomAD exomes 0.00085; ExAC 0.00227; 1000 Genomes Project 30x 0.00375; TOPMed 0.00080; gnomAD 0.00085; 1000 Genomes Project 0.00439.
gnomAD v4.1: 1,392 of 1,555,302 alleles (0.09%); highest among the groups gnomAD compares: East Asian, 1.1%; 13 homozygotes.

Submission:

PreventionGenetics, part of Exact Sciences
Classification: Benign for NCOR2-related condition. Last evaluated: 2019-04-01. Review status: no assertion criteria provided. Collection method: clinical testing. Allele origin: germline.
Comment: This variant is classified as benign based on ACMG/AMP sequence variant interpretation guidelines (Richards et al. 2015 PMID: 25741868, with internal and published modifications).

NM_006312.6(NCOR2):c.3242-9G>A

Gene: NCOR2 (nuclear receptor corepressor 2; minus strand). Cytogenetic location: 12q24.31.
Variant type: single nucleotide variant.
Coding change: c.3242-9G>A on transcript NM_006312.6 (MANE Select); 9 bases into the intron before coding-DNA position 3242, G replaced by A.
Molecular consequence: intron variant.
Genome position (GRCh38, 1-based): chr12:124,355,580, C>T on the plus strand (G>A on the coding strand, the complement: NCOR2 is on the minus strand). VCF-style: chr12-124355580-C-T. GRCh37 (hg19) VCF-style: chr12-124840126-C-T.
Other names: c.3212-9G>A (NM_001077261.4, NM_001206654.2).
Identifiers: ClinVar variation 3041232 (VCV003041232.2), dbSNP rs138415793, ClinGen allele CA6868738.